The following is an entry in ClinVar:

NM_001845.6(COL4A1):c.1091C>T (p.Pro364Leu)

Gene: COL4A1 (collagen type IV alpha 1 chain; minus strand). Cytogenetic location: 13q34.
Variant type: single nucleotide variant.
Coding change: c.1091C>T on transcript NM_001845.6 (MANE Select); coding-DNA position 1091, C replaced by T.
Protein change: p.Pro364Leu; replaces proline 364 with leucine.
Molecular consequence: missense variant.
Genome position (GRCh38, 1-based): chr13:110,200,883, G>A on the plus strand (C>T on the coding strand, the complement: COL4A1 is on the minus strand). VCF-style: chr13-110200883-G-A. GRCh37 (hg19) VCF-style: chr13-110853230-G-A.
Other names: c.1091C>T, p.Pro364Leu (NM_001303110.2); c.1091C>T (NM_001845.5); short protein forms P364L.
Identifiers: ClinVar variation 804572 (VCV000804572.10), dbSNP rs755483519, ClinGen allele CA7048057.
Genomic context (GRCh38, chr13:110,200,883, plus strand): 5'-ATGCTATAACAAATCAGTTAAGGAGTCTCACCTGGAGGTCCGGGTTGGCCTGGTAGTCCT[G>A]GGAAACCTGAAAAGAGAAAGAGAGTGTTGGATCAAACAGAACAGTTCACCCGTTTGTATA-3'
Protein context (NP_001836.3, residues 354-374): PRGEPGPKGF[Pro364Leu]GLPGQPGPPG

ClinVar aggregate classification (germline): Uncertain significance. Review status: criteria provided, multiple submitters, no conflicts (2 of 4 stars). 5 submissions from 5 submitters: Uncertain significance (4). 1 of the submissions does not count toward it. Last evaluated 2026-01-06.

Conditions:
Hemorrhage, intracerebral, susceptibility to (ICH). Also called: Stroke, hemorrhagic, susceptibility to. Identifiers: MedGen C3281105, MONDO:0100533, OMIM 614519.
Brain small vessel disease 1 with or without ocular anomalies (BSVD1). Also called: PORENCEPHALY, TYPE 1, AUTOSOMAL DOMINANT; Brain small vessel disease with or without ocular anomalies; BRAIN SMALL VESSEL DISEASE WITH HEMORRHAGE; GOULD SYNDROME 1. Identifiers: Orphanet 2940, Orphanet 36383, Orphanet 99810, MedGen C4755307, MONDO:0008289, OMIM 175780.
Retinal arterial tortuosity. Also called: RETINAL HEMORRHAGE WITH VASCULAR TORTUOSITY; Retinal arteries, tortuosity of. Identifiers: Orphanet 75326, MedGen C0423401, MONDO:0008373, OMIM 180000, HP:0000631.
Autosomal dominant familial hematuria-retinal arteriolar tortuosity-contractures syndrome. Also called: Angiopathy, hereditary, with nephropathy, aneurysms, and muscle cramps; Hereditary Angiopathy with Nephropathy, Aneurysms, and Muscle Cramps (HANAC) Syndrome. Identifiers: Orphanet 73229, MedGen C2673195, MONDO:0012726, OMIM 611773.
Microangiopathy and leukoencephalopathy, pontine, autosomal dominant. Also called: DEMENTIA, HEREDITARY MULTI-INFARCT, SWEDISH TYPE; Pontine autosomal dominant microangiopathy with leukoencephalopathy. Identifiers: Orphanet 477749, MedGen C5231411, MONDO:0032814, OMIM 618564.
Inborn genetic diseases. Identifiers: MedGen C0950123, MeSH D030342.
COL4A1-related disorder. Also called: COL4A1-related condition; COL4A1-related disorders. Identifiers: MedGen CN376119, MONDO:0800461.

Allele frequency attached by ClinVar (database versions not stated): gnomAD 0.00001; gnomAD exomes 0.00001 and 0.00002; TOPMed 0.00001; ExAC 0.00003.
gnomAD v4.1: 12 of 1,613,980 alleles (0.00074%); highest among the groups gnomAD compares: Admixed American, 0.017%; no homozygotes.

Submissions (5):

Labcorp Genetics (formerly Invitae), Labcorp
Classification: Uncertain significance. Last evaluated: 2026-01-06. Review status: criteria provided, single submitter. Criteria: Invitae Variant Classification Sherloc (09022015). Collection method: clinical testing. Allele origin: germline.
Comment: This sequence change replaces proline, which is neutral and non-polar, with leucine, which is neutral and non-polar, at codon 364 of the COL4A1 protein (p.Pro364Leu). This variant is present in population databases (rs755483519, gnomAD 0.01%). This variant has not been reported in the literature in individuals affected with COL4A1-related conditions. ClinVar contains an entry for this variant (Variation ID: 804572). Invitae Evidence Modeling of protein sequence and biophysical properties (such as structural, functional, and spatial information, amino acid conservation, physicochemical variation, residue mobility, and thermodynamic stability) indicates that this missense variant is not expected to disrupt COL4A1 protein function with a negative predictive value of 95%. In summary, the available evidence is currently insufficient to determine the role of this variant in disease. Therefore, it has been classified as a Variant of Uncertain Significance.

Fulgent Genetics
Classification: Uncertain significance for Brain small vessel disease 1 with or without ocular anomalies; Retinal arterial tortuosity; Autosomal dominant familial hematuria-retinal arteriolar tortuosity-contractures syndrome; Hemorrhage, intracerebral, susceptibility to; Microangiopathy and leukoencephalopathy, pontine, autosomal dominant. Last evaluated: 2024-03-08. Review status: criteria provided, single submitter. Criteria: ACMG Guidelines, 2015. Collection method: clinical testing. Allele origin: germline.

Ambry Genetics
Classification: Uncertain significance for Inborn genetic diseases. Last evaluated: 2024-01-04. Review status: criteria provided, single submitter. Criteria: Ambry Variant Classification Scheme 2023. Collection method: clinical testing. Allele origin: germline.

Athena Diagnostics
Classification: Uncertain significance. Last evaluated: 2018-12-31. Review status: criteria provided, single submitter. Criteria: Athena Diagnostics Criteria. Collection method: clinical testing. Allele origin: germline.

PreventionGenetics, part of Exact Sciences
Classification: Uncertain significance for COL4A1-related condition. Last evaluated: 2024-09-12. Review status: no assertion criteria provided. Collection method: clinical testing. Allele origin: germline. Not counted in ClinVar's aggregate classification.
Comment: The COL4A1 c.1091C>T variant is predicted to result in the amino acid substitution p.Pro364Leu. To our knowledge, this variant has not been reported in the literature. This variant is reported in 0.017% of alleles in individuals of Latino descent in gnomAD. At this time, the clinical significance of this variant is uncertain due to the absence of conclusive functional and genetic evidence.